The following is an entry in ClinVar:

NM_006231.4(POLE):c.3485A>G (p.Lys1162Arg)

Gene: POLE (DNA polymerase epsilon, catalytic subunit; minus strand). Cytogenetic location: 12q24.33.
Variant type: single nucleotide variant.
Coding change: c.3485A>G on transcript NM_006231.4 (MANE Select); coding-DNA position 3485, A replaced by G.
Protein change: p.Lys1162Arg; replaces lysine 1162 with arginine.
Molecular consequence: missense variant.
Genome position (GRCh38, 1-based): chr12:132,657,233, T>C on the plus strand (A>G on the coding strand, the complement: POLE is on the minus strand). VCF-style: chr12-132657233-T-C. GRCh37 (hg19) VCF-style: chr12-133233819-T-C.
Other names: short protein forms K1162R.
Identifiers: ClinVar variation 579580 (VCV000579580.8), dbSNP rs1565953154, ClinGen allele CA387388728.
Genomic context (GRCh38, chr12:132,657,233, plus strand): 5'-TTCTTCTGCTTGTAGACATCATTCTTCTCCAGCAGTTTTTTGTGCAGCCAGTCGGGGTGT[T>C]TGACACGTGGCACTGGGTTCTTTACCTGTGTGAGGCCAACACCCATCAGAGAGAGACCCT-3'
Protein context (NP_006222.2, residues 1152-1172): QQVKNPVPRV[Lys1162Arg]HPDWLHKKLL

ClinVar aggregate classification (germline): Uncertain significance (1 of 4 stars; one submission).

Submission:

Labcorp Genetics (formerly Invitae), Labcorp
Classification: Uncertain significance. Last evaluated: 2025-10-26. Review status: criteria provided, single submitter. Criteria: Invitae Variant Classification Sherloc (09022015). Collection method: clinical testing. Allele origin: germline.
Comment: This sequence change replaces lysine, which is basic and polar, with arginine, which is basic and polar, at codon 1162 of the POLE protein (p.Lys1162Arg). This variant is not present in population databases (gnomAD no frequency). This variant has not been reported in the literature in individuals affected with POLE-related conditions. ClinVar contains an entry for this variant (Variation ID: 579580). Invitae Evidence Modeling of protein sequence and biophysical properties (such as structural, functional, and spatial information, amino acid conservation, physicochemical variation, residue mobility, and thermodynamic stability) indicates that this missense variant is not expected to disrupt POLE protein function with a negative predictive value of 80%. In summary, the available evidence is currently insufficient to determine the role of this variant in disease. Therefore, it has been classified as a Variant of Uncertain Significance.